The following is an entry in ClinVar:

ClinVar aggregate classification (germline): Benign. Review status: criteria provided, multiple submitters, no conflicts (2 of 4 stars). 4 submissions from 4 submitters: Benign (4). Last evaluated 2026-08-01.

Allele frequency attached by ClinVar (database versions not stated): 1000 Genomes Project 30x 0.00406; 1000 Genomes Project 0.00419; TOPMed 0.00547; ESP Exome Variant Server 0.00677; gnomAD 0.00833 and 0.00856; gnomAD exomes 0.00865 and 0.00980.
gnomAD v4.1: 15,407 of 1,613,892 alleles (0.95%); highest among the groups gnomAD compares: Non-Finnish European, 1%; 133 homozygotes.

Submissions (4):

CeGaT Center for Human Genetics Tuebingen
Classification: Benign. Last evaluated: 2026-08-01. Review status: criteria provided, single submitter. Criteria: CeGaT Center For Human Genetics Tuebingen Variant Classification Criteria Version 2. Collection method: clinical testing. Allele origin: germline. Affected: yes. Observed: 36 variant alleles.
Comment: CYB5R3: BS1, BS2

Labcorp Genetics (formerly Invitae), Labcorp
Classification: Benign. Last evaluated: 2026-02-01. Review status: criteria provided, single submitter. Criteria: Invitae Variant Classification Sherloc (09022015). Collection method: clinical testing. Allele origin: germline.

ARUP Laboratories, Molecular Genetics and Genomics, ARUP Laboratories
Classification: Benign. Last evaluated: 2025-05-22. Review status: criteria provided, single submitter. Criteria: ARUP Molecular Germline Variant Investigation Process 2024. Collection method: clinical testing. Allele origin: germline.

Mayo Clinic Laboratories, Mayo Clinic
Classification: Benign. Last evaluated: 2024-06-11. Review status: criteria provided, single submitter. Criteria: ACMG Guidelines, 2015. Collection method: clinical testing. Allele origin: germline. Observed: 4 variant alleles.
Comment: BS1, BS2, BP4, BP7

NM_000398.7(CYB5R3):c.297C>T (p.Ser99=)

Gene: CYB5R3 (cytochrome b5 reductase 3; minus strand). Cytogenetic location: 22q13.2.
Variant type: single nucleotide variant.
Coding change: c.297C>T on transcript NM_000398.7 (MANE Select); coding-DNA position 297, C replaced by T.
Protein change: p.Ser99=; no amino-acid change (serine 99 retained).
Molecular consequence: synonymous variant.
Genome position (GRCh38, 1-based): chr22:42,630,918, G>A on the plus strand (C>T on the coding strand, the complement: CYB5R3 is on the minus strand). VCF-style: chr22-42630918-G-A. GRCh37 (hg19) VCF-style: chr22-43026924-G-A.
Other names: p.Ser99=; c.228C>T, p.Ser76= (NM_001129819.2, NM_001171661.1, NM_007326.4); c.396C>T, p.Ser132= (NM_001171660.2).
Identifiers: ClinVar variation 715467 (VCV000715467.44), dbSNP rs150701311, ClinGen allele CA10269835.